The following is an entry in ClinVar:

NM_000154.2(GALK1):c.585del (p.Gly196fs)

Gene: GALK1 (galactokinase 1; minus strand). Cytogenetic location: 17q25.1.
Variant type: Deletion.
Coding change: c.585del on transcript NM_000154.2 (MANE Select); coding-DNA position 585, one base deleted (A; older notation c.585delA).
Protein change: p.Gly196fs; shifts the reading frame from glycine 196.
Molecular consequence: frameshift variant.
Genome position (GRCh38, 1-based): chr17:75,763,040, T deleted on the plus strand (A on the coding strand, the reverse complement: GALK1 is on the minus strand); the first of 3 consecutive T bases (chr17:75,763,040-75,763,042); deleting any one gives the same sequence. VCF-style (leftmost placement, unchanged base first): chr17-75763039-CT-C. GRCh37 (hg19) VCF-style: chr17-73759120-CT-C.
Other names: c.585del, p.Gly196fs (NM_001381985.1); short protein forms G196fs.
Identifiers: ClinVar variation 5011584 (VCV005011584.1).

ClinVar aggregate classification (germline): Pathogenic (1 of 4 stars; one submission).

Conditions:
Deficiency of galactokinase. Also called: GALACTOSEMIA II; Galactokinase deficiency with cataracts. Identifiers: Orphanet 352, Orphanet 79237, MedGen C0268155, MONDO:0009255, OMIM 230200.

Submission:

Myriad Genetics, Inc.
Classification: Pathogenic for Deficiency of galactokinase. Last evaluated: 2023-09-05. Review status: criteria provided, single submitter. Criteria: Myriad Autosomal Dominant, Autosomal Recessive and X-Linked Classification Criteria (2023). Collection method: clinical testing. Allele origin: unknown.
Comment: NM_000154.1(GALK1):c.585delA(G196Afs*68) is expected to be pathogenic in the context of galactokinase deficiency. This variant is predicted to lead to an abnormal or absent protein product due to the creation of a premature termination codon in GALK1, a gene where loss-of-function variants are known to be pathogenic. Please note: this variant was assessed in the context of healthy population screening.